The following is an entry in ClinVar:

NM_001349338.3(FOXP1):c.838C>T (p.Gln280Ter)

Gene: FOXP1 (forkhead box P1; minus strand). Cytogenetic location: 3p13.
Variant type: single nucleotide variant.
Coding change: c.838C>T on transcript NM_001349338.3 (MANE Select); coding-DNA position 838, C replaced by T.
Protein change: p.Gln280Ter; replaces glutamine 280 with a stop codon.
Molecular consequence: nonsense. On other transcripts: non-coding transcript variant (2).
Genome position (GRCh38, 1-based): chr3:71,041,359, G>A on the plus strand (C>T on the coding strand, the complement: FOXP1 is on the minus strand). VCF-style: chr3-71041359-G-A. GRCh37 (hg19) VCF-style: chr3-71090510-G-A.
Other names: c.535C>T, p.Gln179Ter (NM_001349344.3, NM_001349337.2, NM_001349343.3); c.538C>T, p.Gln180Ter (NM_001370548.1, NM_001244813.3, NM_001244815.2 and 1 more transcripts); c.838C>T, p.Gln280Ter (NM_032682.6, NM_001244808.3, NM_001244810.2 and 4 more transcripts); c.610C>T, p.Gln204Ter (NM_001244812.3); c.835C>T, p.Gln279Ter (NM_001349341.3); short protein forms Q180*, Q204*, Q279*, Q179*, Q280*.
Identifiers: ClinVar variation 2776589 (VCV002776589.3), dbSNP rs2106869758, ClinGen allele CA353562612.

ClinVar aggregate classification (germline): Pathogenic (1 of 4 stars; one submission).

Submission:

Labcorp Genetics (formerly Invitae), Labcorp
Classification: Pathogenic. Last evaluated: 2023-11-06. Review status: criteria provided, single submitter. Criteria: Invitae Variant Classification Sherloc (09022015). Collection method: clinical testing. Allele origin: germline.
Comment: This sequence change creates a premature translational stop signal (p.Gln280*) in the FOXP1 gene. It is expected to result in an absent or disrupted protein product. Loss-of-function variants in FOXP1 are known to be pathogenic (PMID: 28735298). This variant is not present in population databases (gnomAD no frequency). This variant has not been reported in the literature in individuals affected with FOXP1-related conditions. For these reasons, this variant has been classified as Pathogenic.

Literature cited by the submitters: PubMed 28735298.